The following is an entry in ClinVar:

ClinVar aggregate classification (germline): Likely benign. Review status: criteria provided, multiple submitters, no conflicts (2 of 4 stars). 3 submissions from 3 submitters: Likely benign (2). 1 of the submissions does not count toward it. Last evaluated 2025-10-27.

Conditions:
PDZD7-related disorder. Also called: PDZD7-related disorders; PDZD7-related condition.

Allele frequency attached by ClinVar (database versions not stated): gnomAD 0.00005; TOPMed 0.00005; ExAC 0.00007; ESP Exome Variant Server 0.00015.
gnomAD v4.1: 108 of 1,614,108 alleles (0.0067%); highest among the groups gnomAD compares: Non-Finnish European, 0.0086%; no homozygotes.

Submissions (3):

Labcorp Genetics (formerly Invitae), Labcorp
Classification: Likely benign. Last evaluated: 2025-10-27. Review status: criteria provided, single submitter. Criteria: Invitae Variant Classification Sherloc (09022015). Collection method: clinical testing. Allele origin: germline.

Blueprint Genetics
Classification: Likely benign. Last evaluated: 2024-08-22. Review status: criteria provided, single submitter. Criteria: ACMG Guidelines, 2015. Collection method: clinical testing. Allele origin: germline.

PreventionGenetics, part of Exact Sciences
Classification: Likely benign for PDZD7-related condition. Last evaluated: 2019-02-21. Review status: no assertion criteria provided. Collection method: clinical testing. Allele origin: germline. Not counted in ClinVar's aggregate classification.
Comment: This variant is classified as likely benign based on ACMG/AMP sequence variant interpretation guidelines (Richards et al. 2015 PMID: 25741868, with internal and published modifications).

NM_001195263.2(PDZD7):c.630C>T (p.Ile210=)

Gene: PDZD7 (PDZ domain containing 7; minus strand). Cytogenetic location: 10q24.31.
Variant type: single nucleotide variant.
Coding change: c.630C>T on transcript NM_001195263.2 (MANE Select); coding-DNA position 630, C replaced by T.
Protein change: p.Ile210=; no amino-acid change (isoleucine 210 retained).
Molecular consequence: synonymous variant.
Genome position (GRCh38, 1-based): chr10:101,022,298, G>A on the plus strand (C>T on the coding strand, the complement: PDZD7 is on the minus strand). VCF-style: chr10-101022298-G-A. GRCh37 (hg19) VCF-style: chr10-102782055-G-A.
Other names: c.630C>T (NM_001195263.1); c.630C>T, p.Ile210= (NM_001351044.2, NM_024895.5).
Identifiers: ClinVar variation 1635671 (VCV001635671.11), dbSNP rs146801433, ClinGen allele CA5654312.